The following is an entry in ClinVar:

NM_020964.3(EPG5):c.4791C>T (p.Ala1597=)

Gene: EPG5 (ectopic P-granules 5 autophagy tethering factor; minus strand). Cytogenetic location: 18q12.3.
Variant type: single nucleotide variant.
Coding change: c.4791C>T on transcript NM_020964.3 (MANE Select); coding-DNA position 4791, C replaced by T.
Protein change: p.Ala1597=; no amino-acid change (alanine 1597 retained).
Molecular consequence: synonymous variant.
Genome position (GRCh38, 1-based): chr18:45,899,422, G>A on the plus strand (C>T on the coding strand, the complement: EPG5 is on the minus strand). VCF-style: chr18-45899422-G-A. GRCh37 (hg19) VCF-style: chr18-43479387-G-A.
Other names: c.4791C>T, p.Ala1597= (LRG_1234t1).
Identifiers: ClinVar variation 466252 (VCV000466252.37), dbSNP rs368086133, ClinGen allele CA8948758.

ClinVar aggregate classification (germline): Likely benign. Review status: criteria provided, multiple submitters, no conflicts (2 of 4 stars). 3 submissions from 3 submitters: Likely benign (3). Last evaluated 2026-01-28.

Conditions:
Vici syndrome (VICIS). Identifiers: Orphanet 1493, MedGen C1855772, MONDO:0009452, OMIM 242840.

Allele frequency attached by ClinVar (database versions not stated): 1000 Genomes Project 30x 0.00016; 1000 Genomes Project 0.00020; ExAC 0.00022; gnomAD exomes 0.00023 and 0.00052; TOPMed 0.00037; gnomAD 0.00040 and 0.00041; ESP Exome Variant Server 0.00048.
gnomAD v4.1: 811 of 1,614,074 alleles (0.05%); highest among the groups gnomAD compares: Non-Finnish European, 0.063%; no homozygotes.

Submissions (3):

Labcorp Genetics (formerly Invitae), Labcorp
Classification: Likely benign for Vici syndrome. Last evaluated: 2026-01-28. Review status: criteria provided, single submitter. Criteria: Invitae Variant Classification Sherloc (09022015). Collection method: clinical testing. Allele origin: germline.

Blueprint Genetics
Classification: Likely benign. Last evaluated: 2024-10-09. Review status: criteria provided, single submitter. Criteria: ACMG Guidelines, 2015. Collection method: clinical testing. Allele origin: germline.

CeGaT Center for Human Genetics Tuebingen
Classification: Likely benign. Last evaluated: 2022-03-01. Review status: criteria provided, single submitter. Criteria: CeGaT Center For Human Genetics Tuebingen Variant Classification Criteria Version 2. Collection method: clinical testing. Allele origin: germline. Affected: yes. Observed: 1 variant allele.
Comment: EPG5: BP4, BP7